The following is an entry in ClinVar:

ClinVar aggregate classification (germline): Uncertain significance (1 of 4 stars; one submission).

Allele frequency attached by ClinVar (database versions not stated): gnomAD exomes 0.00001; ExAC 0.00002; ESP Exome Variant Server 0.00008.

Submission:

Labcorp Genetics (formerly Invitae), Labcorp
Classification: Uncertain significance. Last evaluated: 2025-05-12. Review status: criteria provided, single submitter. Criteria: Invitae Variant Classification Sherloc (09022015). Collection method: clinical testing. Allele origin: germline.
Comment: This sequence change replaces valine, which is neutral and non-polar, with methionine, which is neutral and non-polar, at codon 269 of the ICOSLG protein (p.Val269Met). This variant is present in population databases (rs370211236, gnomAD 0.004%). This variant has not been reported in the literature in individuals affected with ICOSLG-related conditions. ClinVar contains an entry for this variant (Variation ID: 1402771). An algorithm developed to predict the effect of missense changes on protein structure and function (PolyPhen-2) suggests that this variant is likely to be disruptive. In summary, the available evidence is currently insufficient to determine the role of this variant in disease. Therefore, it has been classified as a Variant of Uncertain Significance.

NM_015259.6(ICOSLG):c.805G>A (p.Val269Met)

Gene: ICOSLG (inducible T cell costimulator ligand; minus strand). Cytogenetic location: 21q22.3.
Variant type: single nucleotide variant.
Coding change: c.805G>A on transcript NM_015259.6 (MANE Select); coding-DNA position 805, G replaced by A.
Protein change: p.Val269Met; replaces valine 269 with methionine.
Molecular consequence: missense variant.
Genome position (GRCh38, 1-based): chr21:44,231,337, C>T on the plus strand (G>A on the coding strand, the complement: ICOSLG is on the minus strand). VCF-style: chr21-44231337-C-T. GRCh37 (hg19) VCF-style: chr21-45651220-C-T.
Other names: c.805G>A, p.Val269Met (NM_001283050.2); c.454G>A, p.Val152Met (NM_001283051.2); c.550G>A, p.Val184Met (NM_001283052.2); c.724G>A, p.Val242Met (NM_001365759.2); short protein forms V184M, V242M, V152M, V269M.
Identifiers: ClinVar variation 1402771 (VCV001402771.8), dbSNP rs370211236, ClinGen allele CA321495754.
Genomic context (GRCh38, chr21:44,231,337, plus strand): 5'-TACCTGCATAGCTGTGTTGGAGGCATCGGTCCCTGCACACCCAGCCTATGGCCACCGCCA[C>T]GACCACAAGCAGGCACAGGACAGCCAGGATGCTCCACGTGGCCGCGTTTTTCTCGCCGGT-3'
Protein context (NP_056074.1, residues 259-279): ILAVLCLLVV[Val269Met]AVAIGWVCRD